The following is an entry in ClinVar:

ClinVar aggregate classification (germline): Uncertain significance. Review status: criteria provided, multiple submitters, no conflicts (2 of 4 stars). 2 submissions from 2 submitters: Uncertain significance (2). Last evaluated 2024-08-05.

Conditions:
Charcot-Marie-Tooth disease type 2. Also called: Charcot-Marie-Tooth type 2. Identifiers: Orphanet 64746, MedGen C0270914, MONDO:0018993.

Allele frequency attached by ClinVar (database versions not stated): gnomAD 0.00001; ExAC 0.00002; gnomAD exomes below 0.00001 and 0.00001; TOPMed 0.00001.
gnomAD v4.1: 8 of 1,613,988 alleles (0.0005%); highest among the groups gnomAD compares: Admixed American, 0.0033%; no homozygotes.

Submissions (2):

Labcorp Genetics (formerly Invitae), Labcorp
Classification: Uncertain significance for Charcot-Marie-Tooth disease type 2. Last evaluated: 2024-08-05. Review status: criteria provided, single submitter. Criteria: Invitae Variant Classification Sherloc (09022015). Collection method: clinical testing. Allele origin: germline.
Comment: This sequence change replaces serine, which is neutral and polar, with phenylalanine, which is neutral and non-polar, at codon 51 of the BSCL2 protein (p.Ser51Phe). This variant is present in population databases (rs765023622, gnomAD 0.006%). This variant has not been reported in the literature in individuals affected with BSCL2-related conditions. ClinVar contains an entry for this variant (Variation ID: 643729). Advanced modeling of protein sequence and biophysical properties (such as structural, functional, and spatial information, amino acid conservation, physicochemical variation, residue mobility, and thermodynamic stability) performed at Invitae indicates that this missense variant is expected to disrupt BSCL2 protein function with a positive predictive value of 80%. In summary, the available evidence is currently insufficient to determine the role of this variant in disease. Therefore, it has been classified as a Variant of Uncertain Significance.

Women's Health and Genetics/Laboratory Corporation of America, LabCorp
Classification: Uncertain significance. Last evaluated: 2024-03-26. Review status: criteria provided, single submitter. Criteria: LabCorp Variant Classification Summary - May 2015. Collection method: clinical testing. Allele origin: germline.
Comment: Variant summary: BSCL2 c.152C>T (p.Ser51Phe) results in a non-conservative amino acid change in the encoded protein sequence. Five of five in-silico tools predict a damaging effect of the variant on protein function. The variant allele was found at a frequency of 8e-06 in 250962 control chromosomes. The available data on variant occurrences in the general population are insufficient to allow any conclusion about variant significance. To our knowledge, no occurrence of c.152C>T in individuals affected with BSCL2-Related Disorders and no experimental evidence demonstrating its impact on protein function have been reported. ClinVar contains an entry for this variant (Variation ID: 643729). Based on the evidence outlined above, the variant was classified as uncertain significance.

NM_001122955.4(BSCL2):c.344C>T (p.Ser115Phe)

Genes: BSCL2 (BSCL2 lipid droplet biogenesis associated, seipin; minus strand), HNRNPUL2-BSCL2 (HNRNPUL2-BSCL2 readthrough (NMD candidate); minus strand). Cytogenetic location: 11q12.3.
Variant type: single nucleotide variant.
Coding change: c.344C>T on transcript NM_001122955.4 (MANE Select); coding-DNA position 344, C replaced by T.
Protein change: p.Ser115Phe; replaces serine 115 with phenylalanine.
Molecular consequence: missense variant. On other transcripts: non-coding transcript variant (1).
Genome position (GRCh38, 1-based): chr11:62,705,361, G>A on the plus strand (C>T on the coding strand, the complement: BSCL2 is on the minus strand). VCF-style: chr11-62705361-G-A. GRCh37 (hg19) VCF-style: chr11-62472833-G-A.
Other names: c.152C>T, p.Ser51Phe (NM_001130702.2, NM_032667.6); c.344C>T, p.Ser115Phe (NM_001386027.1, NM_001386028.1); short protein forms S51F, S115F.
Identifiers: ClinVar variation 643729 (VCV000643729.10), dbSNP rs765023622, ClinGen allele CA6053619.